The following is an entry in ClinVar:

ClinVar aggregate classification (germline): Benign/Likely benign. Review status: criteria provided, multiple submitters, no conflicts (2 of 4 stars). 6 submissions from 6 submitters: Benign (2); Likely benign (3). 1 of the submissions does not count toward it. Last evaluated 2026-01-10.

Conditions:
POLG2-related disorder. Also called: POLG2-related disorders; POLG2-related condition.
Hereditary spastic paraplegia. Also called: Familial spastic paraparesis. Identifiers: Orphanet 685, MedGen C0037773, MONDO:0019064. Disease mechanism: loss of function.
Progressive external ophthalmoplegia with mitochondrial DNA deletions, autosomal dominant 4. Also called: PROGRESSIVE EXTERNAL OPHTHALMOPLEGIA, AUTOSOMAL DOMINANT 4. Identifiers: MedGen C1864668, MONDO:0012415, OMIM 610131.

Allele frequency attached by ClinVar (database versions not stated): gnomAD exomes 0.00020 and 0.00043; ESP Exome Variant Server 0.00023; gnomAD 0.00023 and 0.00025; TOPMed 0.00030; ExAC 0.00039.
gnomAD v4.1: 364 of 1,613,134 alleles (0.023%); highest among the groups gnomAD compares: Middle Eastern, 0.049%; no homozygotes.

Submissions (6):

Labcorp Genetics (formerly Invitae), Labcorp
Classification: Benign. Last evaluated: 2026-01-10. Review status: criteria provided, single submitter. Criteria: Invitae Variant Classification Sherloc (09022015). Collection method: clinical testing. Allele origin: germline.

GeneDx
Classification: Likely benign. Last evaluated: 2019-02-15. Review status: criteria provided, single submitter. Criteria: GeneDx Variant Classification Process June 2021. Collection method: clinical testing. Allele origin: germline. Affected: yes.
Comment: This variant is associated with the following publications: (PMID: 21555342, 24985751)

Illumina Laboratory Services, Illumina
Classification: Benign for Progressive external ophthalmoplegia with mitochondrial DNA deletions, autosomal dominant 4. Last evaluated: 2018-01-13. Review status: criteria provided, single submitter. Criteria: ICSL Variant Classification Criteria 13 December 2019. Collection method: clinical testing. Allele origin: germline.
Comment: This variant was observed in the ICSL laboratory as part of a predisposition screen in an ostensibly healthy population. It had not been previously curated by ICSL or reported in the Human Gene Mutation Database (HGMD: prior to June 1st, 2018), and was therefore a candidate for classification through an automated scoring system. Utilizing variant allele frequency, disease prevalence and penetrance estimates, and inheritance mode, an automated score was calculated to assess if this variant is too frequent to cause the disease. Based on the score and internal cut-off values, a variant classified as benign is not then subjected to further curation. The score for this variant resulted in a classification of benign for this disease.

Genome Diagnostics Laboratory, The Hospital for Sick Children
Classification: Likely benign for Hereditary spastic paraplegia. Last evaluated: 2017-12-01. Review status: criteria provided, single submitter. Criteria: ACMG Guidelines, 2015. Collection method: clinical testing. Allele origin: germline. Affected: yes.

Breakthrough Genomics
Classification: Likely benign. Review status: criteria provided, single submitter. Criteria: ACMG Guidelines, 2015. Collection method: not provided. Allele origin: germline. Inheritance: Autosomal recessive inheritance. Affected: yes.

PreventionGenetics, part of Exact Sciences
Classification: Likely benign for POLG2-related condition. Last evaluated: 2023-02-16. Review status: no assertion criteria provided. Collection method: clinical testing. Allele origin: germline. Not counted in ClinVar's aggregate classification.
Comment: This variant is classified as likely benign based on ACMG/AMP sequence variant interpretation guidelines (Richards et al. 2015 PMID: 25741868, with internal and published modifications).

NM_007215.4(POLG2):c.457C>G (p.Leu153Val)

Genes: POLG2 (DNA polymerase gamma 2, accessory subunit; minus strand), MILR1 (mast cell immunoglobulin like receptor 1; plus strand). Cytogenetic location: 17q23.3.
Variant type: single nucleotide variant.
Coding change: c.457C>G on transcript NM_007215.4 (MANE Select); coding-DNA position 457, C replaced by G.
Protein change: p.Leu153Val; replaces leucine 153 with valine.
Molecular consequence: missense variant.
Genome position (GRCh38, 1-based): chr17:64,496,512, G>C on the plus strand (C>G on the coding strand, the complement: POLG2 is on the minus strand). VCF-style: chr17-64496512-G-C. GRCh37 (hg19) VCF-style: chr17-62492630-G-C.
Other names: p.L153V:CTA>GTA; short protein forms L153V.
Identifiers: ClinVar variation 215017 (VCV000215017.21), dbSNP rs149446102, ClinGen allele CA321085.